The following is an entry in ClinVar:

ClinVar aggregate classification (germline): Uncertain significance (1 of 4 stars; one submission).

Allele frequency attached by ClinVar (database versions not stated): gnomAD exomes below 0.00001.
gnomAD v4.1: 2 of 1,613,928 alleles (0.00012%); highest among the groups gnomAD compares: Non-Finnish European, 0.000085%; no homozygotes.

Submission:

Labcorp Genetics (formerly Invitae), Labcorp
Classification: Uncertain significance. Last evaluated: 2021-03-03. Review status: criteria provided, single submitter. Criteria: Invitae Variant Classification Sherloc (09022015). Collection method: clinical testing. Allele origin: germline.
Comment: This sequence change replaces arginine with glycine at codon 1372 of the MPDZ protein (p.Arg1372Gly). The arginine residue is highly conserved and there is a moderate physicochemical difference between arginine and glycine. This variant is not present in population databases (ExAC no frequency). This variant has not been reported in the literature in individuals with MPDZ-related conditions. Algorithms developed to predict the effect of missense changes on protein structure and function (SIFT, PolyPhen-2, Align-GVGD) all suggest that this variant is likely to be disruptive, but these predictions have not been confirmed by published functional studies and their clinical significance is uncertain. In summary, the available evidence is currently insufficient to determine the role of this variant in disease. Therefore, it has been classified as a Variant of Uncertain Significance.

NM_001378778.1(MPDZ):c.4114A>G (p.Arg1372Gly)

Gene: MPDZ (multiple PDZ domain crumbs cell polarity complex component; minus strand). Cytogenetic location: 9p23.
Variant type: single nucleotide variant.
Coding change: c.4114A>G on transcript NM_001378778.1 (MANE Select); coding-DNA position 4114, A replaced by G.
Protein change: p.Arg1372Gly; replaces arginine 1372 with glycine.
Molecular consequence: missense variant.
Genome position (GRCh38, 1-based): chr9:13,138,043, T>C on the plus strand (A>G on the coding strand, the complement: MPDZ is on the minus strand). VCF-style: chr9-13138043-T-C. GRCh37 (hg19) VCF-style: chr9-13138042-T-C.
Other names: c.4015A>G, p.Arg1339Gly (NM_001261406.2, NM_001261407.2, NM_001375416.1 and 3 more transcripts); c.4114A>G, p.Arg1372Gly (NM_001330637.2, NM_001375413.1, NM_003829.5); c.3904A>G, p.Arg1302Gly (NM_001375420.1, NM_001375421.1, NM_001375422.1 and 4 more transcripts); c.3706A>G, p.Arg1236Gly (NM_001375427.1); short protein forms R1236G, R1339G, R1302G, R1372G.
Identifiers: ClinVar variation 1376667 (VCV001376667.8), dbSNP rs2132357402, ClinGen allele CA372949211.